The following is an entry in ClinVar:

ClinVar aggregate classification (germline): Uncertain significance. Review status: criteria provided, multiple submitters, no conflicts (2 of 4 stars). 2 submissions from 2 submitters: Uncertain significance (2). Last evaluated 2026-06-01.

Conditions:
Inborn genetic diseases. Identifiers: MedGen C0950123, MeSH D030342.

gnomAD v4.1: 24 of 1,614,004 alleles (0.0015%); highest among the groups gnomAD compares: Middle Eastern, 0.016%; no homozygotes.

Submissions (2):

CeGaT Center for Human Genetics Tuebingen
Classification: Uncertain significance. Last evaluated: 2026-06-01. Review status: criteria provided, single submitter. Criteria: CeGaT Center For Human Genetics Tuebingen Variant Classification Criteria Version 2. Collection method: clinical testing. Allele origin: germline. Affected: yes. Observed: 1 variant allele.
Comment: PISD: PM2

Ambry Genetics
Classification: Uncertain significance for Inborn genetic diseases. Last evaluated: 2024-12-10. Review status: criteria provided, single submitter. Criteria: Ambry Variant Classification Scheme 2023. Collection method: clinical testing. Allele origin: germline.

NM_001326411.2(PISD):c.322-1900G>A

Genes: PISD (phosphatidylserine decarboxylase; minus strand), LOC110121499 (VISTA enhancer hs2240; plus strand). Cytogenetic location: 22q12.2.
Variant type: single nucleotide variant.
Coding change: c.322-1900G>A on transcript NM_001326411.2 (MANE Select); 1900 bases into the intron before coding-DNA position 322, G replaced by A.
Molecular consequence: intron variant. On other transcripts: missense variant (8).
Genome position (GRCh38, 1-based): chr22:31,623,785, C>T on the plus strand (G>A on the coding strand, the complement: PISD is on the minus strand). VCF-style: chr22-31623785-C-T. GRCh37 (hg19) VCF-style: chr22-32019771-C-T.
Other names: c.157G>A, p.Ala53Thr (NM_001326413.2, NM_001326414.2); c.118G>A, p.Ala40Thr (NM_001326415.2, NM_001326416.2, NM_001326417.2 and 3 more transcripts); c.322-1963G>A (NM_001326412.1); c.322-1900G>A (NM_001326421.1); c.142-1900G>A (NM_001326420.2, NM_001326418.2); short protein forms A53T, A40T.
Identifiers: ClinVar variation 3418796 (VCV003418796.3).
Genomic context (GRCh38, chr22:31,623,785, plus strand): 5'-GGGCGCCGAAGGGCAGGAGGTAGTAGAGGACGGTCAAGGGCCAGGAGCGCAGTTTCAGAG[C>T]GGGTCTGGACATGCAGCTCAGCTGCCCCAGCCTCCGCCTCAGGGCCAGCTGGGGGAAGTG-3'